The following is an entry in ClinVar:

ClinVar aggregate classification (germline): Likely benign. Review status: criteria provided, multiple submitters, no conflicts (2 of 4 stars). 2 submissions from 2 submitters: Likely benign (2). Last evaluated 2025-12-01.

Conditions:
Neurodevelopmental disorder with or without hyperkinetic movements and seizures, autosomal dominant. Also called: Intellectual disability, autosomal dominant 8. Identifiers: MedGen C3280282, MONDO:0013655, OMIM 614254.

Allele frequency attached by ClinVar (database versions not stated): gnomAD exomes below 0.00001.
gnomAD v4.1: 2 of 1,612,482 alleles (0.00012%); highest among the groups gnomAD compares: Non-Finnish European, 0.000085%; no homozygotes.

Submissions (2):

Labcorp Genetics (formerly Invitae), Labcorp
Classification: Likely benign for Neurodevelopmental disorder with or without hyperkinetic movements and seizures, autosomal dominant. Last evaluated: 2025-12-01. Review status: criteria provided, single submitter. Criteria: Invitae Variant Classification Sherloc (09022015). Collection method: clinical testing. Allele origin: germline.

GeneDx
Classification: Likely benign. Last evaluated: 2017-07-07. Review status: criteria provided, single submitter. Criteria: GeneDx Variant Classification (06012015). Collection method: clinical testing. Allele origin: germline. Affected: yes.
Comment: This variant is considered likely benign or benign based on one or more of the following criteria: it is a conservative change, it occurs at a poorly conserved position in the protein, it is predicted to be benign by multiple in silico algorithms, and/or has population frequency not consistent with disease.

NM_007327.4(GRIN1):c.1431C>T (p.His477=)

Gene: GRIN1 (glutamate ionotropic receptor NMDA type subunit 1; plus strand). Cytogenetic location: 9q34.3.
Variant type: single nucleotide variant.
Coding change: c.1431C>T on transcript NM_007327.4 (MANE Select); coding-DNA position 1431, C replaced by T.
Protein change: p.His477=; no amino-acid change (histidine 477 retained).
Molecular consequence: synonymous variant.
Genome position (GRCh38, 1-based): chr9:137,161,380, C>T. VCF-style: chr9-137161380-C-T. GRCh37 (hg19) VCF-style: chr9-140055832-C-T.
Other names: c.1431C>T, p.His477= (NM_000832.7, NM_021569.4); c.1494C>T, p.His498= (NM_001185090.2, NM_001185091.2).
Identifiers: ClinVar variation 387871 (VCV000387871.10), dbSNP rs1057522926, ClinGen allele CA16606468.
Genomic context (GRCh38, chr9:137,161,380, plus strand): 5'-CTTTTGCATCGACCTGCTCATCAAGCTGGCACGGACCATGAACTTCACCTACGAGGTGCA[C>T]CTGGTGGCAGATGGCAAGTTCGGCACACAGGAGCGGGTAGGCTGGACGGCGGGGGTGGGG-3'
Protein context (NP_015566.1, residues 467-487): ARTMNFTYEV[His477=]LVADGKFGTQ